The following is an entry in ClinVar:

NM_015046.7(SETX):c.2849C>A (p.Ser950Tyr)

Gene: SETX (senataxin; minus strand). Cytogenetic location: 9q34.13.
Variant type: single nucleotide variant.
Coding change: c.2849C>A on transcript NM_015046.7 (MANE Select); coding-DNA position 2849, C replaced by A.
Protein change: p.Ser950Tyr; replaces serine 950 with tyrosine.
Molecular consequence: missense variant.
Genome position (GRCh38, 1-based): chr9:132,328,749, G>T on the plus strand (C>A on the coding strand, the complement: SETX is on the minus strand). VCF-style: chr9-132328749-G-T. GRCh37 (hg19) VCF-style: chr9-135204136-G-T.
Other names: c.2849C>A, p.Ser950Tyr (NM_001351527.2, NM_001351528.2); short protein forms S950Y.
Identifiers: ClinVar variation 962702 (VCV000962702.12), dbSNP rs1847020598, ClinGen allele CA375333535.

ClinVar aggregate classification (germline): Uncertain significance. Review status: criteria provided, multiple submitters, no conflicts (2 of 4 stars). 4 submissions from 3 submitters: Uncertain significance (4). Last evaluated 2023-02-08.

Conditions:
Amyotrophic lateral sclerosis type 4 (ALS4). Also called: NEURONOPATHY, DISTAL HEREDITARY MOTOR, WITH PYRAMIDAL FEATURES; AMYOTROPHIC LATERAL SCLEROSIS 4, JUVENILE. Identifiers: Orphanet 357043, MedGen C1865409, MONDO:0011223, OMIM 602433.
Spinocerebellar ataxia, autosomal recessive, with axonal neuropathy 2 (SCAN2). Also called: Ataxia with Oculomotor Apraxia Type 2; ATAXIA-OCULOMOTOR APRAXIA 2; Ataxia-ocular apraxia-2; Ataxia with Oculomotor Apraxia. Identifiers: Orphanet 64753, MedGen C1853761, MONDO:0018996, OMIM 606002.
Inborn genetic diseases. Identifiers: MedGen C0950123, MeSH D030342.

Submissions (4):

Genome-Nilou Lab
Classification: Uncertain significance for Spinocerebellar ataxia, autosomal recessive, with axonal neuropathy 2. Last evaluated: 2023-02-08. Review status: criteria provided, single submitter. Criteria: ACMG Guidelines, 2015. Collection method: clinical testing. Allele origin: germline.

Genome-Nilou Lab
Classification: Uncertain significance for Amyotrophic lateral sclerosis type 4. Last evaluated: 2023-02-08. Review status: criteria provided, single submitter. Criteria: ACMG Guidelines, 2015. Collection method: clinical testing. Allele origin: germline.

Ambry Genetics
Classification: Uncertain significance for Inborn genetic diseases. Last evaluated: 2019-09-27. Review status: criteria provided, single submitter. Criteria: Ambry Variant Classification Scheme 2023. Collection method: clinical testing. Allele origin: germline.
Comment: The p.S950Y variant (also known as c.2849C>A), located in coding exon 8 of the SETX gene, results from a C to A substitution at nucleotide position 2849. The serine at codon 950 is replaced by tyrosine, an amino acid with dissimilar properties. This amino acid position is not well conserved in available vertebrate species. In addition, this alteration is predicted to be tolerated by in silico analysis. Since supporting evidence is limited at this time, the clinical significance of this alteration remains unclear.

Labcorp Genetics (formerly Invitae), Labcorp
Classification: Uncertain significance for Amyotrophic lateral sclerosis type 4; Spinocerebellar ataxia, autosomal recessive, with axonal neuropathy 2. Last evaluated: 2019-08-23. Review status: criteria provided, single submitter. Criteria: Invitae Variant Classification Sherloc (09022015). Collection method: clinical testing. Allele origin: germline.
Comment: In summary, the available evidence is currently insufficient to determine the role of this variant in disease. Therefore, it has been classified as a Variant of Uncertain Significance. Algorithms developed to predict the effect of missense changes on protein structure and function (SIFT, PolyPhen-2, Align-GVGD) all suggest that this variant is likely to be tolerated, but these predictions have not been confirmed by published functional studies and their clinical significance is uncertain. This variant has not been reported in the literature in individuals with SETX-related conditions. This variant is not present in population databases (ExAC no frequency). This sequence change replaces serine with tyrosine at codon 950 of the SETX protein (p.Ser950Tyr). The serine residue is weakly conserved and there is a large physicochemical difference between serine and tyrosine.